The following is an entry in ClinVar:

NM_001356.5(DDX3X):c.1148C>T (p.Ala383Val)

Gene: DDX3X (DEAD-box helicase 3 X-linked; plus strand). Cytogenetic location: Xp11.4.
Variant type: single nucleotide variant.
Coding change: c.1148C>T on transcript NM_001356.5 (MANE Select); coding-DNA position 1148, C replaced by T.
Protein change: p.Ala383Val; replaces alanine 383 with valine.
Molecular consequence: missense variant. On other transcripts: non-coding transcript variant (1).
Genome position (GRCh38, 1-based): chrX:41,345,302, C>T. VCF-style: chrX-41345302-C-T. GRCh37 (hg19) VCF-style: chrX-41204555-C-T.
Other names: c.1148C>T, p.Ala383Val (NM_001193416.3); c.1100C>T, p.Ala367Val (NM_001193417.3); c.590C>T, p.Ala197Val (NM_001363819.1); short protein forms A197V, A367V, A383V.
Identifiers: ClinVar variation 4530067 (VCV004530067.1).

ClinVar aggregate classification (somatic clinical impact): Tier I - Strong (1 of 4 stars; one submission).

Conditions:
Medulloblastoma WNT activated. Identifiers: MedGen C4331965, MONDO:0850196.

Submission:

Institute for Genomic Medicine (IGM) Clinical Laboratory, Nationwide Children's Hospital
Classification: Tier I - Strong for Medulloblastoma WNT activated. Assertion type: diagnostic. Clinical significance: supports diagnosis. Last evaluated: 2022-12-20. Review status: criteria provided, single submitter. Criteria: AMP/ASCO/CAP Guidelines, 2017. Collection method: clinical testing. Allele origin: somatic. Affected: yes.
Comment: Variant has Tier I (strong) clinical significance as a diagnostic inclusion criterion in medulloblastoma WNT activated, based on the following evidence: 1) Appears in one or more well-established professional guidelines (e.g., World Health Organization [WHO]; National Comprehensive Cancer Network [NCCN]) as providing diagnostic, prognostic, or therapeutic information. 2) Diagnostic for a specific tumor type/classification based on well-powered studies with expert-level consensus (Evidence Level B; PMIDs: 22832583, 22722829, 28726821, 22820256).

Literature cited by the submitters: PubMed 22832583; PubMed 22722829; PubMed 28726821; PubMed 22820256.